The following is an entry in ClinVar:

NM_080424.4(SP110):c.1580A>G (p.Glu527Gly)

Gene: SP110 (SP110 nuclear body protein; minus strand). Cytogenetic location: 2q37.1.
Variant type: single nucleotide variant.
Coding change: c.1580A>G on transcript NM_080424.4 (MANE Select); coding-DNA position 1580, A replaced by G.
Protein change: p.Glu527Gly; replaces glutamic acid 527 with glycine.
Molecular consequence: missense variant.
Genome position (GRCh38, 1-based): chr2:230,177,548, T>C on the plus strand (A>G on the coding strand, the complement: SP110 is on the minus strand). VCF-style: chr2-230177548-T-C. GRCh37 (hg19) VCF-style: chr2-231042264-T-C.
Other names: c.1580A>G (NM_004509.3); c.1598A>G, p.Glu533Gly (NM_001185015.2, NM_001378442.1, NM_001378444.1 and 2 more transcripts); c.1580A>G, p.Glu527Gly (NM_001378443.1, NM_004509.5, NM_004510.4); c.1430A>G, p.Glu477Gly (NM_001378447.1); short protein forms E527G, E477G, E533G.
Identifiers: ClinVar variation 2172901 (VCV002172901.5), dbSNP rs1265083194, ClinGen allele CA350903105.

ClinVar aggregate classification (germline): Uncertain significance. Review status: criteria provided, multiple submitters, no conflicts (2 of 4 stars). 2 submissions from 2 submitters: Uncertain significance (2). Last evaluated 2025-12-10.

Conditions:
Inborn genetic diseases. Identifiers: MedGen C0950123, MeSH D030342.
Hepatic veno-occlusive disease-immunodeficiency syndrome. Also called: Hepatic Veno-Occlusive Disease with Immunodeficiency. Identifiers: Orphanet 79124, MedGen C1856128, MONDO:0009338, OMIM 235550. Disease mechanism: loss of function.

Allele frequency attached by ClinVar (database versions not stated): gnomAD exomes below 0.00001.
gnomAD v4.1: 4 of 1,614,116 alleles (0.00025%); highest among the groups gnomAD compares: Non-Finnish European, 0.00034%; no homozygotes.

Submissions (2):

Ambry Genetics
Classification: Uncertain significance for Inborn genetic diseases. Last evaluated: 2025-12-10. Review status: criteria provided, single submitter. Criteria: Ambry Variant Classification Scheme 2023. Collection method: clinical testing. Allele origin: germline.

Labcorp Genetics (formerly Invitae), Labcorp
Classification: Uncertain significance for Hepatic veno-occlusive disease-immunodeficiency syndrome. Last evaluated: 2023-04-09. Review status: criteria provided, single submitter. Criteria: Invitae Variant Classification Sherloc (09022015). Collection method: clinical testing. Allele origin: germline.
Comment: Algorithms developed to predict the effect of sequence changes on RNA splicing suggest that this variant may disrupt the consensus splice site. In summary, the available evidence is currently insufficient to determine the role of this variant in disease. Therefore, it has been classified as a Variant of Uncertain Significance. An algorithm developed to predict the effect of missense changes on protein structure and function (PolyPhen-2) suggests that this variant is likely to be disruptive. ClinVar contains an entry for this variant (Variation ID: 2172901). This variant has not been reported in the literature in individuals affected with SP110-related conditions. This variant is present in population databases (no rsID available, gnomAD 0.0009%). This sequence change replaces glutamic acid, which is acidic and polar, with glycine, which is neutral and non-polar, at codon 527 of the SP110 protein (p.Glu527Gly).